The following is an entry in ClinVar:

NM_001173467.3(SP7):c.1120C>T (p.Arg374Cys)

Gene: SP7 (Sp7 transcription factor; minus strand). Cytogenetic location: 12q13.13.
Variant type: single nucleotide variant.
Coding change: c.1120C>T on transcript NM_001173467.3 (MANE Select); coding-DNA position 1120, C replaced by T.
Protein change: p.Arg374Cys; replaces arginine 374 with cysteine.
Molecular consequence: missense variant.
Genome position (GRCh38, 1-based): chr12:53,328,322, G>A on the plus strand (C>T on the coding strand, the complement: SP7 is on the minus strand). VCF-style: chr12-53328322-G-A. GRCh37 (hg19) VCF-style: chr12-53722106-G-A.
Other names: c.1066C>T, p.Arg356Cys (NM_001300837.2); c.1120C>T, p.Arg374Cys (NM_152860.2); short protein forms R356C, R374C.
Identifiers: ClinVar variation 1914678 (VCV001914678.4), dbSNP rs758338010, ClinGen allele CA6599458.
Genomic context (GRCh38, chr12:53,328,322, plus strand): 5'-CCTCCCCCAGCTCCTTGGGGCCACTGGGAGGGGGACCCGGGCCTGGTTCTCCATGGGTGC[G>A]CTGGTGTTTGCTCAGGTGGTCGCTTCGGGTAAAGCGCTTGGAGCAGAGCAGGCAGGTGAA-3'
Protein context (NP_001166938.1, residues 364-384): TRSDHLSKHQ[Arg374Cys]THGEPGPGPP

ClinVar aggregate classification (germline): Uncertain significance (1 of 4 stars; one submission).

Allele frequency attached by ClinVar (database versions not stated): TOPMed below 0.00001; gnomAD 0.00001; ExAC 0.00002.

Submission:

Labcorp Genetics (formerly Invitae), Labcorp
Classification: Uncertain significance. Last evaluated: 2025-01-13. Review status: criteria provided, single submitter. Criteria: Invitae Variant Classification Sherloc (09022015). Collection method: clinical testing. Allele origin: germline.
Comment: This sequence change replaces arginine, which is basic and polar, with cysteine, which is neutral and slightly polar, at codon 374 of the SP7 protein (p.Arg374Cys). This variant is present in population databases (rs758338010, gnomAD 0.009%). This variant has not been reported in the literature in individuals affected with SP7-related conditions. ClinVar contains an entry for this variant (Variation ID: 1914678). An algorithm developed to predict the effect of missense changes on protein structure and function (PolyPhen-2) suggests that this variant is likely to be disruptive. In summary, the available evidence is currently insufficient to determine the role of this variant in disease. Therefore, it has been classified as a Variant of Uncertain Significance.